The following is an entry in ClinVar:

ClinVar aggregate classification (germline): Uncertain significance (1 of 4 stars; one submission).

Submission:

CeGaT Center for Human Genetics Tuebingen
Classification: Uncertain significance. Last evaluated: 2025-09-01. Review status: criteria provided, single submitter. Criteria: CeGaT Center For Human Genetics Tuebingen Variant Classification Criteria Version 2. Collection method: clinical testing. Allele origin: germline. Affected: yes. Observed: 1 variant allele.
Comment: KCNN2: PM2

NM_021614.4(KCNN2):c.115C>T (p.Pro39Ser)

Gene: KCNN2 (potassium calcium-activated channel subfamily N member 2; plus strand). Cytogenetic location: 5q22.3.
Variant type: single nucleotide variant.
Coding change: c.115C>T on transcript NM_021614.4 (MANE Select); coding-DNA position 115, C replaced by T.
Protein change: p.Pro39Ser; replaces proline 39 with serine.
Molecular consequence: missense variant. On other transcripts: non-coding transcript variant (1).
Genome position (GRCh38, 1-based): chr5:114,362,254, C>T. VCF-style: chr5-114362254-C-T. GRCh37 (hg19) VCF-style: chr5-113697951-C-T.
Other names: c.313C>T, p.Pro105Ser (NM_001372233.1); short protein forms P105S, P39S.
Identifiers: ClinVar variation 4281560 (VCV004281560.7).
Genomic context (GRCh38, chr5:114,362,254, plus strand): 5'-CCGCCGCGCTCCTCACACCTGCATTGCCAGCAGCAGCAACAGAGCCAGGACAAGCCGTGC[C>T]CGCCCTTCGCGCCCCTCCCGCACCCTCACCACCACCCGCACCTCGCGCACCAGCAGCCGG-3'
Protein context (NP_067627.3, residues 29-49): QQQQSQDKPC[Pro39Ser]PFAPLPHPHH